The following is an entry in ClinVar:

NM_000092.5(COL4A4):c.3310_3313dup (p.Gln1105fs)

Gene: COL4A4 (collagen type IV alpha 4 chain; minus strand). Cytogenetic location: 2q36.3.
Variant type: Duplication.
Coding change: c.3310_3313dup on transcript NM_000092.5 (MANE Select); coding-DNA positions 3310 to 3313, 4 bases duplicated (GAGC; older notation c.3310_3313dupGAGC).
Protein change: p.Gln1105fs; shifts the reading frame from glutamine 1105.
Molecular consequence: frameshift variant.
Genome position (GRCh38, 1-based): chr2:227,043,161-227,043,164, GCTC duplicated on the plus strand (GAGC on the coding strand, the reverse complement: COL4A4 is on the minus strand). VCF-style (leftmost placement, unchanged base first): chr2-227043160-T-TGCTC. GRCh37 (hg19) VCF-style: chr2-227907876-T-TGCTC.
Other names: short protein forms Q1105fs.
Identifiers: ClinVar variation 1074209 (VCV001074209.8), dbSNP rs1971796422, ClinGen allele CA1332740389.

ClinVar aggregate classification (germline): Pathogenic/Likely pathogenic. Review status: criteria provided, multiple submitters, no conflicts (2 of 4 stars). 2 submissions from 2 submitters: Pathogenic (1); Likely pathogenic (1). Last evaluated 2024-05-29.

Conditions:
Autosomal recessive Alport syndrome (ATS2). Also called: Alport syndrome type 2; COL4A3-Related Nephropathy; COL4A4 Alport Syndrome and Thin Basement Membrane Nephropathy; ALPORT SYNDROME 2, AUTOSOMAL RECESSIVE. Identifiers: Orphanet 63, Orphanet 88919, MedGen C4746745, MONDO:0008762, OMIM 203780.
Hematuria, benign familial, 1 (BFH1). Also called: THIN MEMBRANE NEPHROPATHY. Identifiers: MedGen CN376803, MONDO:0007709, OMIM 141200.

Allele frequency attached by ClinVar (database versions not stated): TOPMed below 0.00001.

Submissions (2):

Fulgent Genetics
Classification: Likely pathogenic for Hematuria, benign familial, 1; Autosomal recessive Alport syndrome. Last evaluated: 2024-05-29. Review status: criteria provided, single submitter. Criteria: ACMG Guidelines, 2015. Collection method: clinical testing. Allele origin: germline.

Labcorp Genetics (formerly Invitae), Labcorp
Classification: Pathogenic. Last evaluated: 2020-09-02. Review status: criteria provided, single submitter. Criteria: Invitae Variant Classification Sherloc (09022015). Collection method: clinical testing. Allele origin: germline.
Comment: For these reasons, this variant has been classified as Pathogenic. Loss-of-function variants in COL4A4 are known to be pathogenic (PMID: 21196518, 24854265, 25307543). This variant has not been reported in the literature in individuals with COL4A4-related conditions. This variant is not present in population databases (ExAC no frequency). This sequence change creates a premature translational stop signal (p.Gln1105Argfs*31) in the COL4A4 gene. It is expected to result in an absent or disrupted protein product.

Literature cited by the submitters: PubMed 21196518 (cited by Labcorp Genetics (formerly Invitae), Labcorp); PubMed 24854265 (cited by Labcorp Genetics (formerly Invitae), Labcorp); PubMed 25307543 (cited by Labcorp Genetics (formerly Invitae), Labcorp).